The following is an entry in ClinVar:

NM_005802.5(TOPORS):c.3005G>A (p.Ser1002Asn)

Gene: TOPORS (TOP1 binding arginine/serine rich protein, E3 ubiquitin ligase; minus strand). Cytogenetic location: 9p21.1.
Variant type: single nucleotide variant.
Coding change: c.3005G>A on transcript NM_005802.5 (MANE Select); coding-DNA position 3005, G replaced by A.
Protein change: p.Ser1002Asn; replaces serine 1002 with asparagine.
Molecular consequence: missense variant.
Genome position (GRCh38, 1-based): chr9:32,541,520, C>T on the plus strand (G>A on the coding strand, the complement: TOPORS is on the minus strand). VCF-style: chr9-32541520-C-T. GRCh37 (hg19) VCF-style: chr9-32541518-C-T.
Other names: c.3005G>A (NM_005802.4); c.2810G>A, p.Ser937Asn (NM_001195622.2); short protein forms S1002N, S937N.
Identifiers: ClinVar variation 1168598 (VCV001168598.11), dbSNP rs189325312, ClinGen allele CA5020283.

ClinVar aggregate classification (germline): Benign/Likely benign. Review status: criteria provided, multiple submitters, no conflicts (2 of 4 stars). 3 submissions from 3 submitters: Benign (1); Likely benign (2). Last evaluated 2025-05-22.

Conditions:
TOPORS-related disorder. Also called: TOPORS-related condition.

Allele frequency attached by ClinVar (database versions not stated): TOPMed 0.00002; ESP Exome Variant Server 0.00008; gnomAD exomes 0.00024 and 0.00058; 1000 Genomes Project 30x 0.00031; 1000 Genomes Project 0.00040; gnomAD 0.00048 and 0.00050; ExAC 0.00051.
gnomAD v4.1: 427 of 1,614,218 alleles (0.026%); highest among the groups gnomAD compares: Non-Finnish European, 0.0043%; 3 homozygotes.

Submissions (3):

PreventionGenetics, part of Exact Sciences
Classification: Likely benign for TOPORS-related condition. Last evaluated: 2025-05-22. Review status: criteria provided, single submitter. Criteria: ACMG Guidelines, 2015. Collection method: clinical testing. Allele origin: germline.
Comment: This variant is classified as likely benign based on ACMG/AMP sequence variant interpretation guidelines (Richards et al. 2015 PMID: 25741868, with internal and published modifications).

Blueprint Genetics
Classification: Likely benign. Last evaluated: 2024-11-07. Review status: criteria provided, single submitter. Criteria: ACMG Guidelines, 2015. Collection method: clinical testing. Allele origin: germline.

Labcorp Genetics (formerly Invitae), Labcorp
Classification: Benign. Last evaluated: 2023-08-17. Review status: criteria provided, single submitter. Criteria: Invitae Variant Classification Sherloc (09022015). Collection method: clinical testing. Allele origin: germline.